The following is an entry in ClinVar:

NM_001458.5(FLNC):c.5796C>T (p.Phe1932=)

Genes: FLNC (filamin C; plus strand), FLNC-AS1 (FLNC antisense RNA 1; minus strand). Cytogenetic location: 7q32.1.
Variant type: single nucleotide variant.
Coding change: c.5796C>T on transcript NM_001458.5 (MANE Select); coding-DNA position 5796, C replaced by T.
Protein change: p.Phe1932=; no amino-acid change (phenylalanine 1932 retained).
Molecular consequence: synonymous variant.
Genome position (GRCh38, 1-based): chr7:128,851,582, C>T. VCF-style: chr7-128851582-C-T. GRCh37 (hg19) VCF-style: chr7-128491636-C-T.
Other names: c.5697C>T, p.Phe1899= (NM_001127487.2).
Identifiers: ClinVar variation 472112 (VCV000472112.16), dbSNP rs572337697, ClinGen allele CA4475788.
Genomic context (GRCh38, chr7:128,851,582, plus strand): 5'-CACCTGCACCGTGTCCTATCTGCCGACTGCGCCTGGAGACTACAGCATCATCGTGCGCTT[C>T]GATGACAAGCACATCCCGGGGAGCCCCTTCACAGCCAAGATCACAGGTGAGGCGGGTGTA-3'
Protein context (NP_001449.3, residues 1922-1942): APGDYSIIVR[Phe1932=]DDKHIPGSPF

ClinVar aggregate classification (germline): Likely benign. Review status: criteria provided, multiple submitters, no conflicts (2 of 4 stars). 3 submissions from 3 submitters: Likely benign (2). 1 of the submissions does not count toward it. Last evaluated 2025-12-30.

Conditions:
Cardiovascular phenotype. Identifiers: MedGen CN230736.
Myofibrillar myopathy 5. Also called: Filaminopathy (type); FILAMINOPATHY, AUTOSOMAL DOMINANT. Identifiers: Orphanet 171445, MedGen C1836050, MONDO:0012289, OMIM 609524.
Hypertrophic cardiomyopathy 26. Also called: Cardiomyopathy, familial hypertrophic, 26. Identifiers: Orphanet 75249, MedGen C4310749, MONDO:0014883, OMIM 617047.
Distal myopathy with posterior leg and anterior hand involvement. Also called: WILLIAMS DISTAL MYOPATHY. Identifiers: Orphanet 63273, MedGen C3279722, MONDO:0013550, OMIM 614065.
FLNC-related disorder. Also called: FLNC-related condition; FLNC-related disorders.

Allele frequency attached by ClinVar (database versions not stated): ExAC 0.00001; gnomAD 0.00006 and 0.00007; TOPMed 0.00011.
gnomAD v4.1: 73 of 1,613,898 alleles (0.0045%); highest among the groups gnomAD compares: Non-Finnish European, 0.0053%; no homozygotes.

Submissions (3):

Labcorp Genetics (formerly Invitae), Labcorp
Classification: Likely benign for Distal myopathy with posterior leg and anterior hand involvement; Myofibrillar myopathy 5; Hypertrophic cardiomyopathy 26. Last evaluated: 2025-12-30. Review status: criteria provided, single submitter. Criteria: Invitae Variant Classification Sherloc (09022015). Collection method: clinical testing. Allele origin: germline.

Ambry Genetics
Classification: Likely benign for Cardiovascular phenotype. Last evaluated: 2019-08-27. Review status: criteria provided, single submitter. Criteria: Ambry Variant Classification Scheme 2023. Collection method: clinical testing. Allele origin: germline.

PreventionGenetics, part of Exact Sciences
Classification: Likely benign for FLNC-related condition. Last evaluated: 2019-09-17. Review status: no assertion criteria provided. Collection method: clinical testing. Allele origin: germline. Not counted in ClinVar's aggregate classification.
Comment: This variant is classified as likely benign based on ACMG/AMP sequence variant interpretation guidelines (Richards et al. 2015 PMID: 25741868, with internal and published modifications).